The following is an entry in ClinVar:

ClinVar aggregate classification (germline): Uncertain significance. Review status: criteria provided, multiple submitters, no conflicts (2 of 4 stars). 2 submissions from 2 submitters: Uncertain significance (2). Last evaluated 2023-12-23.

Conditions:
Hereditary cancer-predisposing syndrome. Also called: Hereditary neoplastic syndrome; Tumor predisposition; Neoplastic Syndromes, Hereditary; Hereditary Cancer Syndrome. Identifiers: Orphanet 140162, MedGen C0027672, MeSH D009386, MONDO:0015356.
Neuroblastoma, susceptibility to, 3. Also called: ALK-Related Neuroblastic Tumor Susceptibility. Identifiers: Orphanet 635, MedGen C2751681, MONDO:0013083, OMIM 613014.

Submissions (2):

Labcorp Genetics (formerly Invitae), Labcorp
Classification: Uncertain significance for Neuroblastoma, susceptibility to, 3. Last evaluated: 2023-12-23. Review status: criteria provided, single submitter. Criteria: Invitae Variant Classification Sherloc (09022015). Collection method: clinical testing. Allele origin: germline.
Comment: This sequence change replaces cysteine, which is neutral and slightly polar, with glycine, which is neutral and non-polar, at codon 1288 of the ALK protein (p.Cys1288Gly). This variant is not present in population databases (gnomAD no frequency). This variant has not been reported in the literature in individuals affected with ALK-related conditions. ClinVar contains an entry for this variant (Variation ID: 2447090). An algorithm developed to predict the effect of missense changes on protein structure and function (PolyPhen-2) suggests that this variant is likely to be disruptive. In summary, the available evidence is currently insufficient to determine the role of this variant in disease. Therefore, it has been classified as a Variant of Uncertain Significance.

Ambry Genetics
Classification: Uncertain significance for Hereditary cancer-predisposing syndrome. Last evaluated: 2022-12-12. Review status: criteria provided, single submitter. Criteria: Ambry Variant Classification Scheme 2023. Collection method: clinical testing. Allele origin: germline.
Comment: The p.C1288G variant (also known as c.3862T>G), located in coding exon 26 of the ALK gene, results from a T to G substitution at nucleotide position 3862. The cysteine at codon 1288 is replaced by glycine, an amino acid with highly dissimilar properties. This amino acid position is conserved. In addition, this alteration is predicted to be deleterious by in silico analysis. Since supporting evidence is limited at this time, the clinical significance of this alteration remains unclear.

NM_004304.5(ALK):c.3862T>G (p.Cys1288Gly)

Gene: ALK (ALK receptor tyrosine kinase; minus strand). Cytogenetic location: 2p23.2.
Variant type: single nucleotide variant.
Coding change: c.3862T>G on transcript NM_004304.5 (MANE Select); coding-DNA position 3862, T replaced by G.
Protein change: p.Cys1288Gly; replaces cysteine 1288 with glycine.
Molecular consequence: missense variant.
Genome position (GRCh38, 1-based): chr2:29,207,247, A>C on the plus strand (T>G on the coding strand, the complement: ALK is on the minus strand). VCF-style: chr2-29207247-A-C. GRCh37 (hg19) VCF-style: chr2-29430113-A-C.
Other names: c.658T>G, p.Cys220Gly (NM_001353765.2); short protein forms C220G, C1288G.
Identifiers: ClinVar variation 2447090 (VCV002447090.5), dbSNP rs972332611, ClinGen allele CA346468967.